The following is an entry in ClinVar:

ClinVar aggregate classification (germline): Uncertain significance (1 of 4 stars; one submission).

Conditions:
Hereditary cancer-predisposing syndrome. Also called: Neoplastic Syndromes, Hereditary; Tumor predisposition; Hereditary Cancer Syndrome; Hereditary neoplastic syndrome. Identifiers: Orphanet 140162, MedGen C0027672, MeSH D009386, MONDO:0015356.

Submission:

Ambry Genetics
Classification: Uncertain significance for Hereditary cancer-predisposing syndrome. Last evaluated: 2024-12-06. Review status: criteria provided, single submitter. Criteria: Ambry Variant Classification Scheme 2023. Collection method: clinical testing. Allele origin: germline.
Comment: The p.T246N variant (also known as c.737C>A), located in coding exon 6 of the POT1 gene, results from a C to A substitution at nucleotide position 737. The threonine at codon 246 is replaced by asparagine, an amino acid with similar properties. This amino acid position is conserved. In addition, this alteration is predicted to be tolerated by in silico analysis. Based on the available evidence, the clinical significance of this variant remains unclear.

NM_015450.3(POT1):c.737C>A (p.Thr246Asn)

Gene: POT1 (protection of telomeres 1; minus strand). Cytogenetic location: 7q31.33.
Variant type: single nucleotide variant.
Coding change: c.737C>A on transcript NM_015450.3 (MANE Select); coding-DNA position 737, C replaced by A.
Protein change: p.Thr246Asn; replaces threonine 246 with asparagine.
Molecular consequence: missense variant. On other transcripts: non-coding transcript variant (3).
Genome position (GRCh38, 1-based): chr7:124,853,104, G>T on the plus strand (C>A on the coding strand, the complement: POT1 is on the minus strand). VCF-style: chr7-124853104-G-T. GRCh37 (hg19) VCF-style: chr7-124493158-G-T.
Other names: c.344C>A, p.Thr115Asn (NM_001042594.2); short protein forms T246N, T115N.
Identifiers: ClinVar variation 3423156 (VCV003423156.1).